The following is an entry in ClinVar:

ClinVar aggregate classification (germline): Uncertain significance (1 of 4 stars; one submission).

Submission:

GeneDx
Classification: Uncertain significance. Last evaluated: 2022-09-07. Review status: criteria provided, single submitter. Criteria: GeneDx Variant Classification Process June 2021. Collection method: clinical testing. Allele origin: germline. Affected: yes.
Comment: Not observed at significant frequency in large population cohorts (gnomAD); In silico analysis supports that this missense variant has a deleterious effect on protein structure/function; Has not been previously published as pathogenic or benign to our knowledge; A different missense change at this residue (p.L619F) has been reported in the published literature in association with hereditary spastic paraplegia (Valdmanis et al., 2007; Giordani et al., 2021); This variant is associated with the following publications: (PMID: 17160902, 34782662)

NM_014846.4(WASHC5):c.1855T>G (p.Leu619Val)

Gene: WASHC5 (WASH complex subunit 5; minus strand). Cytogenetic location: 8q24.13.
Variant type: single nucleotide variant.
Coding change: c.1855T>G on transcript NM_014846.4 (MANE Select); coding-DNA position 1855, T replaced by G.
Protein change: p.Leu619Val; replaces leucine 619 with valine.
Molecular consequence: missense variant.
Genome position (GRCh38, 1-based): chr8:125,057,576, A>C on the plus strand (T>G on the coding strand, the complement: WASHC5 is on the minus strand). VCF-style: chr8-125057576-A-C. GRCh37 (hg19) VCF-style: chr8-126069818-A-C.
Other names: c.1411T>G, p.Leu471Val (NM_001330609.2); short protein forms L471V, L619V.
Identifiers: ClinVar variation 1706098 (VCV001706098.2), dbSNP rs2537337607, ClinGen allele CA372191276.